The following is an entry in ClinVar:

NM_006904.7(PRKDC):c.9446G>A (p.Gly3149Asp)

Gene: PRKDC (protein kinase, DNA-activated, catalytic subunit; minus strand). Cytogenetic location: 8q11.21.
Variant type: single nucleotide variant.
Coding change: c.9446G>A on transcript NM_006904.7 (MANE Select); coding-DNA position 9446, G replaced by A.
Protein change: p.Gly3149Asp; replaces glycine 3149 with aspartic acid.
Molecular consequence: missense variant.
Genome position (GRCh38, 1-based): chr8:47,817,561, C>T on the plus strand (G>A on the coding strand, the complement: PRKDC is on the minus strand). VCF-style: chr8-47817561-C-T. GRCh37 (hg19) VCF-style: chr8-48730122-C-T.
Other names: c.9446G>A, p.Gly3149Asp (NM_001081640.2); short protein forms G3149D.
Identifiers: ClinVar variation 475242 (VCV000475242.15), dbSNP rs8178208, ClinGen allele CA4739564.
Genomic context (GRCh38, chr8:47,817,561, plus strand): 5'-GGATATCTGTTTGTCCAGGTGTTCAGAAGTCTCTTAAGGGGAACTTGAGATGATAAATTG[C>T]CTAAAAATAGTATTAGAGGGTGACTATACACACAGCTCAATTATAAGATCAAATGACAAA-3'
Protein context (NP_008835.5, residues 3139-3159): QEFISFISKQ[Gly3149Asp]NLSSQVPLKR

ClinVar aggregate classification (germline): Benign/Likely benign. Review status: criteria provided, multiple submitters, no conflicts (2 of 4 stars). 5 submissions from 5 submitters: Benign (1); Likely benign (3). 1 of the submissions does not count toward it. Last evaluated 2026-02-01.

Conditions:
Malignant tumor of breast. Also called: Malignant breast neoplasm; Cancer breast. Identifiers: MedGen C0006142, MONDO:0007254. Disease mechanism: loss of function.
Severe combined immunodeficiency due to DNA-PKcs deficiency. Also called: IMMUNODEFICIENCY 26 WITH NEUROLOGIC ABNORMALITIES; Immunodeficiency 26 with or without neurologic abnormalities. Identifiers: Orphanet 317425, MedGen C4014833, MONDO:0014423, OMIM 615966.

Allele frequency attached by ClinVar (database versions not stated): gnomAD 0.00320 and 0.00386; TOPMed 0.00348; ESP Exome Variant Server 0.00356; gnomAD exomes 0.00367 and 0.00519; 1000 Genomes Project 30x 0.00734; 1000 Genomes Project 0.00839; ExAC 0.00882.
gnomAD v4.1: 5,918 of 1,576,712 alleles (0.38%); highest among the groups gnomAD compares: South Asian, 2.5%; 59 homozygotes.

Submissions (5):

Labcorp Genetics (formerly Invitae), Labcorp
Classification: Benign for Severe combined immunodeficiency due to DNA-PKcs deficiency. Last evaluated: 2026-02-01. Review status: criteria provided, single submitter. Criteria: Invitae Variant Classification Sherloc (09022015). Collection method: clinical testing. Allele origin: germline.

Blueprint Genetics
Classification: Likely benign. Last evaluated: 2024-11-27. Review status: criteria provided, single submitter. Criteria: ACMG Guidelines, 2015. Collection method: clinical testing. Allele origin: germline.

GeneDx
Classification: Likely benign. Last evaluated: 2017-09-01. Review status: criteria provided, single submitter. Criteria: GeneDx Variant Classification (06012015). Collection method: clinical testing. Allele origin: germline. Affected: yes.
Comment: This variant is considered likely benign or benign based on one or more of the following criteria: it is a conservative change, it occurs at a poorly conserved position in the protein, it is predicted to be benign by multiple in silico algorithms, and/or has population frequency not consistent with disease.

Breakthrough Genomics
Classification: Likely benign. Review status: criteria provided, single submitter. Criteria: ACMG Guidelines, 2015. Collection method: not provided. Allele origin: germline. Inheritance: Autosomal recessive inheritance. Affected: yes.

Center of Medical Genetics and Primary Health Care
Classification: Benign for Breast Cancer. Review status: no assertion criteria provided. Collection method: clinical testing. Allele origin: germline. Affected: yes. Not counted in ClinVar's aggregate classification.